The following is an entry in ClinVar:

NM_001009944.3(PKD1):c.1354G>A (p.Val452Met)

Gene: PKD1 (polycystin 1, transient receptor potential channel interacting; minus strand). Cytogenetic location: 16p13.3.
Variant type: single nucleotide variant.
Coding change: c.1354G>A on transcript NM_001009944.3 (MANE Select); coding-DNA position 1354, G replaced by A.
Protein change: p.Val452Met; replaces valine 452 with methionine.
Molecular consequence: missense variant.
Genome position (GRCh38, 1-based): chr16:2,117,520, C>T on the plus strand (G>A on the coding strand, the complement: PKD1 is on the minus strand). VCF-style: chr16-2117520-C-T. GRCh37 (hg19) VCF-style: chr16-2167521-C-T.
Other names: c.1354G>A, p.Val452Met (NM_000296.4); short protein forms V452M.
Identifiers: ClinVar variation 2411825 (VCV002411825.3), dbSNP rs752848157, ClinGen allele CA7833533.

ClinVar aggregate classification (germline): Uncertain significance. Review status: criteria provided, multiple submitters, no conflicts (2 of 4 stars). 2 submissions from 2 submitters: Uncertain significance (2). Last evaluated 2026-07-28.

Conditions:
PKD1-related disorder. Also called: PKD1-related condition.
Inborn genetic diseases. Identifiers: MedGen C0950123, MeSH D030342.

Allele frequency attached by ClinVar (database versions not stated): gnomAD 0.00003; gnomAD exomes 0.00003; ExAC 0.00008; TOPMed 0.00008.
gnomAD v4.1: 57 of 1,584,302 alleles (0.0036%); highest among the groups gnomAD compares: Admixed American, 0.0071%; no homozygotes.

Submissions (2):

PreventionGenetics, part of Exact Sciences
Classification: Uncertain significance for PKD1-related condition. Last evaluated: 2026-07-28. Review status: criteria provided, single submitter. Criteria: ACMG Guidelines, 2015. Collection method: clinical testing. Allele origin: germline.
Comment: The PKD1 c.1354G>A variant is predicted to result in the amino acid substitution p.Val452Met. To our knowledge, this variant has not been reported in the literature. This variant is reported in 0.012% of alleles in individuals of African descent in gnomAD. At this time, the clinical significance of this variant is uncertain due to the absence of conclusive functional and genetic evidence.

Ambry Genetics
Classification: Uncertain significance for Inborn genetic diseases. Last evaluated: 2021-07-09. Review status: criteria provided, single submitter. Criteria: Ambry Variant Classification Scheme 2023. Collection method: clinical testing. Allele origin: germline.